The following is an entry in ClinVar:

ClinVar aggregate classification (germline): Conflicting classifications of pathogenicity. Review status: criteria provided, conflicting classifications (1 of 4 stars). 6 submissions from 6 submitters: Uncertain significance (3); Likely benign (2). 1 of the submissions does not count toward it. Last evaluated 2025-10-09.

Conditions:
Hereditary cancer-predisposing syndrome. Also called: Tumor predisposition; Neoplastic Syndromes, Hereditary; Hereditary Cancer Syndrome; Hereditary neoplastic syndrome. Identifiers: Orphanet 140162, MedGen C0027672, MeSH D009386, MONDO:0015356.
Hereditary breast ovarian cancer syndrome. Also called: Hereditary breast and ovarian cancer syndrome (HBOC); Hereditary breast and ovarian cancer syndrome; Hereditary breast and ovarian cancer; Hereditary breast and/or ovarian cancer syndrome; Breast and ovarian cancer; BRCA1- and BRCA2-Associated Hereditary Breast and Ovarian Cancer. Identifiers: Orphanet 145, MedGen C0677776, MeSH D061325, MONDO:0003582. Disease mechanism: loss of function.
Breast-ovarian cancer, familial, susceptibility to, 1 (BROVCA1). Also called: OVARIAN CANCER, SUSCEPTIBILITY TO; BRCA1 Hereditary Breast and Ovarian Cancer. Identifiers: Orphanet 145, MedGen C2676676, MONDO:0011450, OMIM 604370. Disease mechanism: loss of function.

Allele frequency attached by ClinVar (database versions not stated): gnomAD exomes below 0.00001.
gnomAD v4.1: 2 of 1,614,098 alleles (0.00012%); highest among the groups gnomAD compares: Admixed American, 0.0033%; no homozygotes.

Submissions (6):

Ambry Genetics
Classification: Uncertain significance for Hereditary cancer-predisposing syndrome. Last evaluated: 2025-10-09. Review status: criteria provided, single submitter. Criteria: Ambry Variant Classification Scheme 2023. Collection method: clinical testing. Allele origin: germline.
Comment: The p.D749Y variant (also known as c.2245G>T), located in coding exon 9 of the BRCA1 gene, results from a G to T substitution at nucleotide position 2245. The aspartic acid at codon 749 is replaced by tyrosine, an amino acid with highly dissimilar properties. This amino acid position is not well conserved in available vertebrate species. In addition, the in silico prediction for this alteration is inconclusive. Based on the available evidence, the clinical significance of this variant remains unclear.

Color Diagnostics, LLC DBA Color Health
Classification: Uncertain significance for Hereditary cancer-predisposing syndrome. Last evaluated: 2025-07-21. Review status: criteria provided, single submitter. Criteria: ACMG Guidelines, 2015. Collection method: clinical testing. Allele origin: germline.
Comment: This missense variant replaces aspartic acid with tyrosine at codon 749 of the BRCA1 protein. Computational prediction suggests that this variant may not impact protein structure and function. To our knowledge, functional studies have not been reported for this variant. This variant has been reported in at least one family affected with familial breast cancer (PMID: 12442275, 15889636). A multifactorial analysis has reported likelihood ratios for pathogenicity of 1.0331 and 0.4042 based on co-occurrence and family history, respectively (PMID: 31131967). This variant has been identified in 2/251168 chromosomes in the general population by the Genome Aggregation Database (gnomAD). The available evidence is insufficient to determine the role of this variant in disease conclusively. Therefore, this variant is classified as a Variant of Uncertain Significance.

Labcorp Genetics (formerly Invitae), Labcorp
Classification: Likely benign for Hereditary breast ovarian cancer syndrome. Last evaluated: 2025-01-22. Review status: criteria provided, single submitter. Criteria: Invitae Variant Classification Sherloc (09022015). Collection method: clinical testing. Allele origin: germline.

Quest Diagnostics Nichols Institute San Juan Capistrano
Classification: Uncertain significance. Last evaluated: 2024-11-22. Review status: criteria provided, single submitter. Criteria: Quest Diagnostics criteria. Collection method: clinical testing. Allele origin: unknown.
Comment: The BRCA1 c.2245G>T (p.Asp749Tyr) variant has been reported in the published literature in individuals with breast and/or ovarian cancer (PMIDs: 16267036 (2005), 15889636 (2005), 12442275 (2002)). A multifactorial analysis study has characterized the variant as being neutral (PMID: 31131967 (2019)). This variant is described to be located in a region of the BRCA1 gene that is tolerant to missense sequence changes (PMID: 31911673 (2020)). The frequency of this variant in the general population, 0.000008 (2/251168 chromosomes (Genome Aggregation Database)), is uninformative in the assessment of its pathogenicity. Analysis of this variant using bioinformatics tools for the prediction of the effect of amino acid changes on protein structure and function yielded conflicting predictions that this variant is benign or damaging. Based on the available information, we are unable to determine the clinical significance of this variant.

University of Washington Department of Laboratory Medicine, University of Washington
Classification: Likely benign for Hereditary cancer-predisposing syndrome. Last evaluated: 2023-03-23. Review status: criteria provided, single submitter. Criteria: Dines et al. (Genet Med. 2020). Collection method: curation. Allele origin: germline.
Comment: Missense variant in a coldspot region where missense variants are very unlikely to be pathogenic (PMID:31911673).

BRCA1 coldspot (exon 11 using historical exon numbering). Reclassification based on statistical prior probability

Breast Cancer Information Core (BIC) (BRCA1)
Classification: Uncertain significance for Breast-ovarian cancer, familial 1. Last evaluated: 2004-11-25. Review status: no assertion criteria provided. Collection method: clinical testing. Allele origin: germline. Affected: yes. Observed: 1 variant allele. Not counted in ClinVar's aggregate classification.

Literature cited by the submitters: PubMed 12442275 (cited by Color Diagnostics, LLC DBA Color Health and Quest Diagnostics Nichols Institute San Juan Capistrano); PubMed 15889636 (cited by Color Diagnostics, LLC DBA Color Health and Quest Diagnostics Nichols Institute San Juan Capistrano); PubMed 31131967 (cited by Color Diagnostics, LLC DBA Color Health and Quest Diagnostics Nichols Institute San Juan Capistrano); PubMed 31911673 (cited by Quest Diagnostics Nichols Institute San Juan Capistrano); PubMed 16267036 (cited by Quest Diagnostics Nichols Institute San Juan Capistrano); PubMed 23704879 (cited by Quest Diagnostics Nichols Institute San Juan Capistrano).

NM_007294.4(BRCA1):c.2245G>T (p.Asp749Tyr)

Gene: BRCA1 (BRCA1 DNA repair associated; minus strand). Cytogenetic location: 17q21.31.
Variant type: single nucleotide variant.
Coding change: c.2245G>T on transcript NM_007294.4 (MANE Select); coding-DNA position 2245, G replaced by T.
Protein change: p.Asp749Tyr; replaces aspartic acid 749 with tyrosine.
Molecular consequence: missense variant. On other transcripts: intron variant (137).
Genome position (GRCh38, 1-based): chr17:43,093,286, C>A on the plus strand (G>T on the coding strand, the complement: BRCA1 is on the minus strand). VCF-style: chr17-43093286-C-A. GRCh37 (hg19) VCF-style: chr17-41245303-C-A.
Other names: c.2122G>T, p.Asp708Tyr (NM_001407919.1, NM_001407937.1, NM_001407938.1 and 19 more transcripts); c.1981G>T, p.Asp661Tyr (NM_001407920.1, NM_001407921.1, NM_001407922.1 and 9 more transcripts); c.1978G>T, p.Asp660Tyr (NM_001407930.1, NM_001407931.1, NM_001407932.1 and 2 more transcripts); c.2119G>T, p.Asp707Tyr (NM_001407940.1, NM_001407941.1, NM_001407649.1 and 11 more transcripts); c.2104G>T, p.Asp702Tyr (NM_001407942.1, NM_001407944.1, NM_001407945.1 and 29 more transcripts); c.2101G>T, p.Asp701Tyr (NM_001407943.1, NM_001407964.1, NM_001407740.1 and 20 more transcripts); c.1912G>T, p.Asp638Tyr (NM_001407946.1, NM_001407947.1, NM_001407948.1 and 6 more transcripts); c.1909G>T, p.Asp637Tyr (NM_001407954.1, NM_001407955.1, NM_001407956.1 and 1 more transcripts); and 41 more; short protein forms D749Y, D702Y, D678Y, D723Y, D581Y, D621Y, D622Y, D660Y.
Identifiers: ClinVar variation 54512 (VCV000054512.23), dbSNP rs80357114, ClinGen allele CA001504.